The following is an entry in ClinVar:

NM_001190274.2(FBXO11):c.1396A>G (p.Met466Val)

Gene: FBXO11 (F-box protein 11; minus strand). Cytogenetic location: 2p16.3.
Variant type: single nucleotide variant.
Coding change: c.1396A>G on transcript NM_001190274.2 (MANE Select); coding-DNA position 1396, A replaced by G.
Protein change: p.Met466Val; replaces methionine 466 with valine.
Molecular consequence: missense variant.
Genome position (GRCh38, 1-based): chr2:47,832,351, T>C on the plus strand (A>G on the coding strand, the complement: FBXO11 is on the minus strand). VCF-style: chr2-47832351-T-C. GRCh37 (hg19) VCF-style: chr2-48059490-T-C.
Other names: c.1144A>G, p.Met382Val (NM_001374325.1, NM_025133.4); short protein forms M382V, M466V.
Identifiers: ClinVar variation 3900869 (VCV003900869.1).

ClinVar aggregate classification (germline): Uncertain significance (1 of 4 stars; one submission).

Submission:

GeneDx
Classification: Uncertain significance. Last evaluated: 2024-11-25. Review status: criteria provided, single submitter. Criteria: GeneDx Variant Classification Process June 2021. Collection method: clinical testing. Allele origin: germline. Affected: yes.
Comment: Not observed at significant frequency in large population cohorts (gnomAD); In silico analysis indicates that this missense variant does not alter protein structure/function; Has not been previously published as pathogenic or benign to our knowledge